The following is an entry in ClinVar:

NM_001903.5(CTNNA1):c.1582A>G (p.Ile528Val)

Gene: CTNNA1 (catenin alpha 1; plus strand). Cytogenetic location: 5q31.2.
Variant type: single nucleotide variant.
Coding change: c.1582A>G on transcript NM_001903.5 (MANE Select); coding-DNA position 1582, A replaced by G.
Protein change: p.Ile528Val; replaces isoleucine 528 with valine.
Molecular consequence: missense variant.
Genome position (GRCh38, 1-based): chr5:138,924,545, A>G. VCF-style: chr5-138924545-A-G. GRCh37 (hg19) VCF-style: chr5-138260234-A-G.
Other names: c.472A>G, p.Ile158Val (NM_001323988.1, NM_001323989.1, NM_001323990.1 and 17 more transcripts); c.133A>G, p.Ile45Val (NM_001324006.1, NM_001324007.1, NM_001324008.1 and 2 more transcripts); c.379A>G, p.Ile127Val (NM_001324011.1); c.229A>G, p.Ile77Val (NM_001324012.1, NM_001324013.1); c.1582A>G, p.Ile528Val (NM_001290307.3, NM_001323982.2, NM_001323983.1 and 2 more transcripts); c.1273A>G, p.Ile425Val (NM_001290309.3); c.1213A>G, p.Ile405Val (NM_001290310.3); c.1489A>G, p.Ile497Val (NM_001323986.2); short protein forms I405V, I45V, I77V, I127V, I497V, I528V, I158V, I425V.
Identifiers: ClinVar variation 2563271 (VCV002563271.2), dbSNP rs2533707803, ClinGen allele CA361131755.

ClinVar aggregate classification (germline): Uncertain significance (1 of 4 stars; one submission).

Conditions:
Hereditary cancer-predisposing syndrome. Also called: Neoplastic Syndromes, Hereditary; Hereditary Cancer Syndrome; Hereditary neoplastic syndrome; Tumor predisposition. Identifiers: Orphanet 140162, MedGen C0027672, MeSH D009386, MONDO:0015356.

Submission:

Ambry Genetics
Classification: Uncertain significance for Hereditary cancer-predisposing syndrome. Last evaluated: 2023-04-03. Review status: criteria provided, single submitter. Criteria: Ambry Variant Classification Scheme 2023. Collection method: clinical testing. Allele origin: germline.
Comment: The p.I528V variant (also known as c.1582A>G), located in coding exon 11 of the CTNNA1 gene, results from an A to G substitution at nucleotide position 1582. The isoleucine at codon 528 is replaced by valine, an amino acid with highly similar properties. This amino acid position is conserved. In addition, this alteration is predicted to be tolerated by in silico analysis. Since supporting evidence is limited at this time, the clinical significance of this alteration remains unclear.